The following is an entry in ClinVar:

NM_001083961.2(WDR62):c.3006C>T (p.Ser1002=)

Gene: WDR62 (WD repeat domain 62; plus strand). Cytogenetic location: 19q13.12.
Variant type: single nucleotide variant.
Coding change: c.3006C>T on transcript NM_001083961.2 (MANE Select); coding-DNA position 3006, C replaced by T.
Protein change: p.Ser1002=; no amino-acid change (serine 1002 retained).
Molecular consequence: synonymous variant.
Genome position (GRCh38, 1-based): chr19:36,101,698, C>T. VCF-style: chr19-36101698-C-T. GRCh37 (hg19) VCF-style: chr19-36592600-C-T.
Other names: c.3006C>T, p.Ser1002= (NM_173636.5).
Identifiers: ClinVar variation 721518 (VCV000721518.9), dbSNP rs1470005962, ClinGen allele CA507107026.

ClinVar aggregate classification (germline): Likely benign. Review status: criteria provided, single submitter (1 of 4 stars). 2 submissions from 2 submitters: Likely benign (1). 1 of the submissions does not count toward it. Last evaluated 2025-11-19.

Conditions:
WDR62-related disorder. Also called: WDR62-related condition.

Allele frequency attached by ClinVar (database versions not stated): gnomAD 0.00001; gnomAD exomes 0.00001 and 0.00009; TOPMed 0.00001.
gnomAD v4.1: 20 of 1,551,036 alleles (0.0013%); highest among the groups gnomAD compares: Admixed American, 0.035%; no homozygotes.

Submissions (2):

Labcorp Genetics (formerly Invitae), Labcorp
Classification: Likely benign. Last evaluated: 2025-11-19. Review status: criteria provided, single submitter. Criteria: Invitae Variant Classification Sherloc (09022015). Collection method: clinical testing. Allele origin: germline.

PreventionGenetics, part of Exact Sciences
Classification: Likely benign for WDR62-related condition. Last evaluated: 2019-06-04. Review status: no assertion criteria provided. Collection method: clinical testing. Allele origin: germline. Not counted in ClinVar's aggregate classification.
Comment: This variant is classified as likely benign based on ACMG/AMP sequence variant interpretation guidelines (Richards et al. 2015 PMID: 25741868, with internal and published modifications).